The following is an entry in ClinVar:

ClinVar aggregate classification (germline): Conflicting classifications of pathogenicity. Review status: criteria provided, conflicting classifications (1 of 4 stars). 3 submissions from 3 submitters: Uncertain significance (1); Likely benign (2). Last evaluated 2025-10-05.

Conditions:
Hereditary cancer-predisposing syndrome. Also called: Neoplastic Syndromes, Hereditary; Tumor predisposition; Hereditary Cancer Syndrome; Hereditary neoplastic syndrome. Identifiers: Orphanet 140162, MedGen C0027672, MeSH D009386, MONDO:0015356.
Multiple endocrine neoplasia, type 2 (MEN2). Identifiers: Orphanet 653, MedGen C4048306, MONDO:0019003. Disease mechanism: gain of function.

Allele frequency attached by ClinVar (database versions not stated): gnomAD 0.00001; gnomAD exomes 0.00001; ExAC 0.00002; 1000 Genomes Project 30x 0.00031; 1000 Genomes Project 0.00040.
gnomAD v4.1: 5 of 1,613,938 alleles (0.00031%); highest among the groups gnomAD compares: Admixed American, 0.0017%; no homozygotes.

Submissions (3):

Labcorp Genetics (formerly Invitae), Labcorp
Classification: Likely benign for Multiple endocrine neoplasia, type 2. Last evaluated: 2025-10-05. Review status: criteria provided, single submitter. Criteria: Invitae Variant Classification Sherloc (09022015). Collection method: clinical testing. Allele origin: germline.

All of Us Research Program, National Institutes of Health
Classification: Uncertain significance for Multiple endocrine neoplasia, type 2. Last evaluated: 2022-11-28. Review status: criteria provided, single submitter. Criteria: ACMG Guidelines, 2015. Collection method: clinical testing. Allele origin: germline. Inheritance: Autosomal dominant inheritance. Observed: 1 variant allele, 1 heterozygote.
Comment: This study involves interpretation of variants in research participants for the purpose of population health screening. Participant phenotype was not available at the time of variant classification. Additional details can be found in publication PMID: 35346344, PMCID: PMC8962531

Ambry Genetics
Classification: Likely benign for Hereditary cancer-predisposing syndrome. Last evaluated: 2022-03-08. Review status: criteria provided, single submitter. Criteria: Ambry Variant Classification Scheme 2023. Collection method: clinical testing. Allele origin: germline.

NM_020975.6(RET):c.3165A>G (p.Thr1055=)

Gene: RET (ret proto-oncogene; plus strand). Cytogenetic location: 10q11.21.
Variant type: single nucleotide variant.
Coding change: c.3165A>G on transcript NM_020975.6 (MANE Select); coding-DNA position 3165, A replaced by G.
Protein change: p.Thr1055=; no amino-acid change (threonine 1055 retained).
Molecular consequence: synonymous variant. On other transcripts: intron variant (4).
Genome position (GRCh38, 1-based): chr10:43,126,700, A>G. VCF-style: chr10-43126700-A-G. GRCh37 (hg19) VCF-style: chr10-43622148-A-G.
Other names: c.3165A>G, p.Thr1055= (NM_000323.2, NM_001406743.1, NM_001406744.1 and 2 more transcripts); c.2403A>G, p.Thr801= (NM_001355216.2); c.3036A>G, p.Thr1012= (NM_001406761.1, NM_001406762.1, NM_001406764.1); c.3030A>G, p.Thr1010= (NM_001406763.1, NM_001406765.1); c.2877A>G, p.Thr959= (NM_001406766.1, NM_001406767.1, NM_001406770.1); c.2901A>G, p.Thr967= (NM_001406768.1); c.2769A>G, p.Thr923= (NM_001406769.1, NM_001406772.1); c.2727A>G, p.Thr909= (NM_001406771.1, NM_001406773.1); and 13 more.
Identifiers: ClinVar variation 413475 (VCV000413475.13), dbSNP rs200289472, ClinGen allele CA042861.